The following is an entry in ClinVar:

NM_000256.3(MYBPC3):c.3765C>G (p.Ala1255=)

Gene: MYBPC3 (myosin binding protein C3; minus strand). Cytogenetic location: 11p11.2.
Variant type: single nucleotide variant.
Coding change: c.3765C>G on transcript NM_000256.3 (MANE Select); coding-DNA position 3765, C replaced by G.
Protein change: p.Ala1255=; no amino-acid change (alanine 1255 retained).
Molecular consequence: synonymous variant.
Genome position (GRCh38, 1-based): chr11:47,332,121, G>C on the plus strand (C>G on the coding strand, the complement: MYBPC3 is on the minus strand). VCF-style: chr11-47332121-G-C. GRCh37 (hg19) VCF-style: chr11-47353672-G-C.
Other names: c.3765C>G, p.Ala1255= (LRG_386t1).
Identifiers: ClinVar variation 629803 (VCV000629803.4), dbSNP rs1354801986, ClinGen allele CA474428838.

ClinVar aggregate classification (germline): Likely benign. Review status: criteria provided, multiple submitters, no conflicts (2 of 4 stars). 3 submissions from 3 submitters: Likely benign (3). Last evaluated 2023-11-30.

Conditions:
Cardiomyopathy (CMYO). Also called: Cardiomyopathies. Identifiers: Orphanet 167848, MedGen C0878544, MONDO:0004994, HP:0001638. Inheritance: Various modes of inheritance.
Hypertrophic cardiomyopathy. Also called: HYPERTROPHIC MYOCARDIOPATHY. Identifiers: Orphanet 217569, MedGen C0007194, MeSH D002312, MONDO:0005045, HP:0001639.

Submissions (3):

All of Us Research Program, National Institutes of Health
Classification: Likely benign for Hypertrophic cardiomyopathy. Last evaluated: 2023-11-30. Review status: criteria provided, single submitter. Criteria: ACMG Guidelines, 2015. Collection method: clinical testing. Allele origin: germline. Inheritance: Autosomal dominant inheritance. Observed: 1 variant allele, 1 heterozygote.
Comment: This study involves interpretation of variants in research participants for the purpose of population health screening. Participant phenotype was not available at the time of variant classification. Additional details can be found in publication PMID: 35346344, PMCID: PMC8962531

Blueprint Genetics
Classification: Likely benign. Last evaluated: 2022-08-18. Review status: criteria provided, single submitter. Criteria: ACMG Guidelines, 2015. Collection method: clinical testing. Allele origin: germline.

Color Diagnostics, LLC DBA Color Health
Classification: Likely benign for Cardiomyopathy. Last evaluated: 2018-10-22. Review status: criteria provided, single submitter. Criteria: ACMG Guidelines, 2015. Collection method: clinical testing. Allele origin: germline.